The following is an entry in ClinVar:

ClinVar aggregate classification (germline): Pathogenic. Review status: criteria provided, single submitter (1 of 4 stars). 2 submissions from 2 submitters: Pathogenic (1). 1 of the submissions does not count toward it. Last evaluated 2022-11-18.

Conditions:
Junctional epidermolysis bullosa gravis of Herlitz. Also called: Herlitz-type junctional epidermolysis bullosa; EPIDERMOLYSIS BULLOSA, JUNCTIONAL 1B, SEVERE; Epidermolysis Bullosa Letalis; EPIDERMOLYSIS BULLOSA JUNCTIONALIS, HERLITZ TYPE; EPIDERMOLYSIS BULLOSA, JUNCTIONAL, HERLITZ-PEARSON TYPE; JEB-HERLITZ TYPE. Identifiers: Orphanet 79404, MedGen C0079683, MONDO:0009182, OMIM 226700.

Allele frequency attached by ClinVar (database versions not stated): gnomAD exomes below 0.00001.
gnomAD v4.1: 1 of 1,613,744 alleles (0.000062%); highest among the groups gnomAD compares: East Asian, 0.0022%; no homozygotes.

Submissions (2):

Labcorp Genetics (formerly Invitae), Labcorp
Classification: Pathogenic. Last evaluated: 2022-11-18. Review status: criteria provided, single submitter. Criteria: Invitae Variant Classification Sherloc (09022015). Collection method: clinical testing. Allele origin: germline.
Comment: This sequence change creates a premature translational stop signal (p.Trp1085*) in the LAMA3 gene. It is expected to result in an absent or disrupted protein product. Loss-of-function variants in LAMA3 are known to be pathogenic (PMID: 10366601, 11810295, 12915477, 16473856, 17362460, 22434185, 23869449, 27827380, 28087116). This variant is not present in population databases (gnomAD no frequency). This variant has not been reported in the literature in individuals affected with LAMA3-related conditions. ClinVar contains an entry for this variant (Variation ID: 554567). For these reasons, this variant has been classified as Pathogenic.

Counsyl
Classification: Likely pathogenic for Junctional epidermolysis bullosa gravis of Herlitz. Last evaluated: 2017-10-25. Review status: no assertion criteria provided. Collection method: clinical testing. Allele origin: unknown. Not counted in ClinVar's aggregate classification.

Literature cited by the submitters: PubMed 10366601 (cited by Labcorp Genetics (formerly Invitae), Labcorp); PubMed 11810295 (cited by Labcorp Genetics (formerly Invitae), Labcorp); PubMed 12915477 (cited by Labcorp Genetics (formerly Invitae), Labcorp); PubMed 16473856 (cited by Labcorp Genetics (formerly Invitae), Labcorp); PubMed 17362460 (cited by Labcorp Genetics (formerly Invitae), Labcorp); PubMed 22434185 (cited by Labcorp Genetics (formerly Invitae), Labcorp); PubMed 23869449 (cited by Labcorp Genetics (formerly Invitae), Labcorp); PubMed 27827380 (cited by Labcorp Genetics (formerly Invitae), Labcorp); PubMed 28087116 (cited by Labcorp Genetics (formerly Invitae), Labcorp).

NM_198129.4(LAMA3):c.8081G>A (p.Trp2694Ter)

Gene: LAMA3 (laminin subunit alpha 3; plus strand). Cytogenetic location: 18q11.2.
Variant type: single nucleotide variant.
Coding change: c.8081G>A on transcript NM_198129.4 (MANE Select); coding-DNA position 8081, G replaced by A.
Protein change: p.Trp2694Ter; replaces tryptophan 2694 with a stop codon.
Molecular consequence: nonsense.
Genome position (GRCh38, 1-based): chr18:23,921,489, G>A. VCF-style: chr18-23921489-G-A. GRCh37 (hg19) VCF-style: chr18-21501453-G-A.
Other names: c.3254G>A, p.Trp1085Ter (NM_000227.6); c.7913G>A, p.Trp2638Ter (NM_001127717.4); c.3086G>A, p.Trp1029Ter (NM_001127718.4); short protein forms W1085*, W2694*, W1029*, W2638*.
Identifiers: ClinVar variation 554567 (VCV000554567.5), dbSNP rs1555740945, ClinGen allele CA402061374.